The following is an entry in ClinVar:

NM_020937.4(FANCM):c.5575A>G (p.Asn1859Asp)

Gene: FANCM (FA complementation group M; plus strand). Cytogenetic location: 14q21.2.
Variant type: single nucleotide variant.
Coding change: c.5575A>G on transcript NM_020937.4 (MANE Select); coding-DNA position 5575, A replaced by G.
Protein change: p.Asn1859Asp; replaces asparagine 1859 with aspartic acid.
Molecular consequence: missense variant.
Genome position (GRCh38, 1-based): chr14:45,196,406, A>G. VCF-style: chr14-45196406-A-G. GRCh37 (hg19) VCF-style: chr14-45665609-A-G.
Other names: c.5497A>G, p.Asn1833Asp (NM_001308133.2); short protein forms N1833D, N1859D.
Identifiers: ClinVar variation 4871189 (VCV004871189.1).
Genomic context (GRCh38, chr14:45,196,406, plus strand): 5'-GCAATTCATGGGTTGCAAGTAGAAGTTTGTCCTCTTAATGGCTGTGATTACATCGTGAGT[A>G]ATCGCATGGTGGTGGAAAGGAGGTCTCAATCTGAGATGTTAAATAGTGTCAATAAGAACA-3'
Protein context (NP_065988.1, residues 1849-1869): PLNGCDYIVS[Asn1859Asp]RMVVERRSQS

ClinVar aggregate classification (germline): Uncertain significance (1 of 4 stars; one submission).

Conditions:
Inborn genetic diseases. Identifiers: MedGen C0950123, MeSH D030342.

Submission:

Ambry Genetics
Classification: Uncertain significance for Inborn genetic diseases. Last evaluated: 2026-06-10. Review status: criteria provided, single submitter. Criteria: Ambry Variant Classification Scheme 2023. Collection method: clinical testing. Allele origin: germline.
Comment: The p.N1859D variant (also known as c.5575A>G), located in coding exon 21 of the FANCM gene, results from an A to G substitution at nucleotide position 5575. The asparagine at codon 1859 is replaced by aspartic acid, an amino acid with highly similar properties. This amino acid position is conserved. In addition, this alteration is predicted to be tolerated by in silico analysis. Based on the available evidence, the clinical significance of this variant remains unclear.